The following is an entry in ClinVar:

NM_001033855.3(DCLRE1C):c.650C>T (p.Thr217Ile)

Gene: DCLRE1C (DNA cross-link repair 1C; minus strand). Cytogenetic location: 10p13.
Variant type: single nucleotide variant.
Coding change: c.650C>T on transcript NM_001033855.3 (MANE Select); coding-DNA position 650, C replaced by T.
Protein change: p.Thr217Ile; replaces threonine 217 with isoleucine.
Molecular consequence: missense variant. On other transcripts: non-coding transcript variant (4).
Genome position (GRCh38, 1-based): chr10:14,934,408, G>A on the plus strand (C>T on the coding strand, the complement: DCLRE1C is on the minus strand). VCF-style: chr10-14934408-G-A. GRCh37 (hg19) VCF-style: chr10-14976407-G-A.
Other names: c.290C>T, p.Thr97Ile (NM_001289077.2, NM_001289079.2, NM_001350967.2 and 2 more transcripts); c.305C>T, p.Thr102Ile (NM_001289078.2, NM_001350966.2, NM_022487.4 and 1 more transcripts); c.650C>T, p.Thr217Ile (NM_001350965.2); short protein forms T102I, T217I, T97I.
Identifiers: ClinVar variation 2114103 (VCV002114103.4), dbSNP rs2492024292, ClinGen allele CA376059409.

ClinVar aggregate classification (germline): Uncertain significance (1 of 4 stars; one submission).

Conditions:
Severe combined immunodeficiency due to DCLRE1C deficiency (RS-SCID). Also called: SCID, AUTOSOMAL RECESSIVE, T CELL-NEGATIVE, B CELL-NEGATIVE, NK CELL-POSITIVE, WITH SENSITIVITY TO IONIZING RADIATION. Identifiers: Orphanet 275, MedGen C1865371, MONDO:0011225, OMIM 602450.

Submission:

Labcorp Genetics (formerly Invitae), Labcorp
Classification: Uncertain significance for Athabaskan severe combined immunodeficiency. Last evaluated: 2024-04-29. Review status: criteria provided, single submitter. Criteria: Invitae Variant Classification Sherloc (09022015). Collection method: clinical testing. Allele origin: germline.
Comment: This sequence change replaces threonine, which is neutral and polar, with isoleucine, which is neutral and non-polar, at codon 217 of the DCLRE1C protein (p.Thr217Ile). This variant is not present in population databases (gnomAD no frequency). This variant has not been reported in the literature in individuals affected with DCLRE1C-related conditions. ClinVar contains an entry for this variant (Variation ID: 2114103). Advanced modeling of protein sequence and biophysical properties (such as structural, functional, and spatial information, amino acid conservation, physicochemical variation, residue mobility, and thermodynamic stability) performed at Invitae indicates that this missense variant is not expected to disrupt DCLRE1C protein function with a negative predictive value of 80%. In summary, the available evidence is currently insufficient to determine the role of this variant in disease. Therefore, it has been classified as a Variant of Uncertain Significance.